The following is an entry in ClinVar:

ClinVar aggregate classification (germline): Uncertain significance (1 of 4 stars; one submission).

Conditions:
Cardiovascular phenotype. Identifiers: MedGen CN230736.
Hereditary cancer-predisposing syndrome. Also called: Neoplastic Syndromes, Hereditary; Tumor predisposition; Hereditary neoplastic syndrome; Hereditary Cancer Syndrome. Identifiers: Orphanet 140162, MedGen C0027672, MeSH D009386, MONDO:0015356.

Submission:

Ambry Genetics
Classification: Uncertain significance for Cardiovascular phenotype; Hereditary cancer-predisposing syndrome. Last evaluated: 2026-06-27. Review status: criteria provided, single submitter. Criteria: Ambry Variant Classification Scheme 2023. Collection method: clinical testing. Allele origin: germline.
Comment: The p.E495V variant (also known as c.1484A>T), located in coding exon 14 of the LZTR1 gene, results from an A to T substitution at nucleotide position 1484. The glutamic acid at codon 495 is replaced by valine, an amino acid with dissimilar properties. This amino acid position is conserved. In addition, this alteration is predicted to be tolerated by in silico analysis. Based on the available evidence, the clinical significance of this variant remains unclear.

NM_006767.4(LZTR1):c.1484A>T (p.Glu495Val)

Gene: LZTR1 (leucine zipper like post translational regulator 1; plus strand). Cytogenetic location: 22q11.21.
Variant type: single nucleotide variant.
Coding change: c.1484A>T on transcript NM_006767.4 (MANE Select); coding-DNA position 1484, A replaced by T.
Protein change: p.Glu495Val; replaces glutamic acid 495 with valine.
Molecular consequence: missense variant.
Genome position (GRCh38, 1-based): chr22:20,994,138, A>T. VCF-style: chr22-20994138-A-T. GRCh37 (hg19) VCF-style: chr22-21348427-A-T.
Other names: short protein forms E495V.
Identifiers: ClinVar variation 5023737 (VCV005023737.1).
Genomic context (GRCh38, chr22:20,994,138, plus strand): 5'-GTCCTTGAGCTCCCTTCTCCCCACAGAAGCTGGAGCAGGAGGCCGCCCCAGTTCCCAGGG[A>T]GGCCCCCGGCGTGGCTGCTGGTGGGGCCCGGCCGCCCCTGCTGCACGTGGCCATCCGGGA-3'
Protein context (NP_006758.2, residues 485-505): LEQEAAPVPR[Glu495Val]APGVAAGGAR